The following is an entry in ClinVar:

NM_173495.3(PTCHD1):c.2644G>T (p.Val882Phe)

Gene: PTCHD1 (patched domain containing 1; plus strand). Cytogenetic location: Xp22.11.
Variant type: single nucleotide variant.
Coding change: c.2644G>T on transcript NM_173495.3 (MANE Select); coding-DNA position 2644, G replaced by T.
Protein change: p.Val882Phe; replaces valine 882 with phenylalanine.
Molecular consequence: missense variant.
Genome position (GRCh38, 1-based): chrX:23,394,162, G>T. VCF-style: chrX-23394162-G-T. GRCh37 (hg19) VCF-style: chrX-23412279-G-T.
Other names: short protein forms V882F.
Identifiers: ClinVar variation 450242 (VCV000450242.2), dbSNP rs766746710, ClinGen allele CA412589151.

ClinVar aggregate classification (germline): Uncertain significance (1 of 4 stars; one submission).

Submission:

GeneDx
Classification: Uncertain significance. Last evaluated: 2017-07-06. Review status: criteria provided, single submitter. Criteria: GeneDx Variant Classification (06012015). Collection method: clinical testing. Allele origin: germline. Affected: yes.
Comment: The V882F variant in the PTCHD1 gene has not been reported previously as a pathogenic variant, nor as a benign variant, to our knowledge. The V882F variant is not observed in large population cohorts (Lek et al., 2016; 1000 Genomes Consortium et al., 2015; Exome Variant Server). The V882F variant is a semi-conservative amino acid substitution, which may impact secondary protein structure as these residues differ in some properties. This substitution occurs at a position that is conserved across species. In silico analysis is inconsistent in its predictions as to whether or not the variant is damaging to the protein structure/function. We interpret V882F as a variant of uncertain significance.